The following is an entry in ClinVar:

NM_018406.7(MUC4):c.5448A>G (p.Ser1816=)

Gene: MUC4 (mucin 4, cell surface associated). Cytogenetic location: 3q29.
Variant type: single nucleotide variant.
Coding change: c.5448A>G on transcript NM_018406.7 (MANE Select); coding-DNA position 5448, A replaced by G.
Protein change: p.Ser1816=; no amino-acid change (serine 1816 retained).
Molecular consequence: synonymous variant. On other transcripts: intron variant (2).
Genome position (GRCh38, 1-based): chr3:195,786,132, T>C on the plus strand (A>G on the coding strand, the complement: MUC4 is on the minus strand). VCF-style: chr3-195786132-T-C. GRCh37 (hg19) VCF-style: chr3-195513003-T-C.
Other names: c.83-11827A>G (NM_138297.5); c.83-7677A>G (NM_004532.6).
Identifiers: ClinVar variation 3898715 (VCV003898715.7).

ClinVar aggregate classification (germline): Likely benign (1 of 4 stars; one submission).

gnomAD v4.1: 1 of 1,531,580 alleles (0.000065%); highest among the groups gnomAD compares: Non-Finnish European, 0.000088%; no homozygotes.

Submission:

CeGaT Center for Human Genetics Tuebingen
Classification: Likely benign. Last evaluated: 2025-04-01. Review status: criteria provided, single submitter. Criteria: CeGaT Center For Human Genetics Tuebingen Variant Classification Criteria Version 2. Collection method: clinical testing. Allele origin: germline. Affected: yes. Observed: 1 variant allele.
Comment: MUC4: BP4, BP7